The following is an entry in ClinVar:

NM_000059.4(BRCA2):c.-40+192C>T

Gene: BRCA2 (BRCA2 DNA repair associated; plus strand). Cytogenetic location: 13q13.1.
Variant type: single nucleotide variant.
Coding change: c.-40+192C>T on transcript NM_000059.4 (MANE Select); 192 bases into the intron after 40 bases upstream of the start codon, C replaced by T.
Molecular consequence: intron variant.
Genome position (GRCh38, 1-based): chr13:32,315,859, C>T. VCF-style: chr13-32315859-C-T. GRCh37 (hg19) VCF-style: chr13-32889996-C-T.
Identifiers: ClinVar variation 264862 (VCV000264862.3), dbSNP rs11571572, ClinGen allele CA10588063.

ClinVar aggregate classification (germline): Benign. Review status: reviewed by expert panel (3 of 4 stars). 2 submissions from 2 submitters: Benign (1). 1 of the submissions does not count toward it. Last evaluated 2016-09-28.

Conditions:
Breast-ovarian cancer, familial, susceptibility to, 2 (BROVCA2). Also called: BRCA2 Hereditary Breast and Ovarian Cancer. Identifiers: Orphanet 145, MedGen C2675520, MONDO:0012933, OMIM 612555. Disease mechanism: loss of function.

Allele frequency attached by ClinVar (database versions not stated): gnomAD 0.00073 and 0.00117; TOPMed 0.00097; 1000 Genomes Project 30x 0.00874; 1000 Genomes Project 0.00919.
gnomAD v4.1: 179 of 152,340 alleles (0.12%); highest among the groups gnomAD compares: East Asian, 2.4%; 5 homozygotes.

Submissions (2):

Evidence-based Network for the Interpretation of Germline Mutant Alleles (ENIGMA)
Classification: Benign for Breast-ovarian cancer, familial, susceptibility to, 2. Last evaluated: 2016-09-28. Review status: reviewed by expert panel. Criteria: ENIGMA BRCA1/2 Classification Criteria (2015). Collection method: curation. Allele origin: germline.
Comment: Class 1 not pathogenic based on frequency >1% in an outbred sampleset. Frequency 0.0417 (East Asian), derived from 1000 genomes (2013-05-02).

CeGaT Center for Human Genetics Tuebingen
Classification: Benign. Last evaluated: 2026-05-01. Review status: criteria provided, single submitter. Criteria: CeGaT Center For Human Genetics Tuebingen Variant Classification Criteria Version 2. Collection method: clinical testing. Allele origin: germline. Affected: yes. Observed: 1 variant allele. Not counted in ClinVar's aggregate classification.
Comment: BRCA2: BS1, BS2